The following is an entry in ClinVar:

ClinVar aggregate classification (germline): Uncertain significance. Review status: reviewed by expert panel (3 of 4 stars). 2 submissions from 2 submitters: Uncertain significance (1). 1 of the submissions does not count toward it. Last evaluated 2022-12-15.

Conditions:
Mitochondrial disease. Also called: Mitochondrial disorder; Mitochondrial disorders. Identifiers: Orphanet 68380, MedGen C0751651, MeSH D028361, MONDO:0044970.
MELAS syndrome (MELAS). Also called: Juvenile myopathy, encephalopathy, lactic acidosis, stroke. Identifiers: Orphanet 550, MedGen C0162671, MONDO:0010789, OMIM 540000.

Submissions (2):

ClinGen Mitochondrial Disease Nuclear and Mitochondrial  Variant Curation Expert Panel, ClinGen
Classification: Uncertain significance for Mitochondrial disease. Last evaluated: 2022-12-15. Review status: reviewed by expert panel. Criteria: McCormick et al. (Hum Mutat. 2020). Collection method: curation. Allele origin: germline. Inheritance: Mitochondrial inheritance.
Comment: The m.14710G>A variant in MT-TE has been reported in two affected individuals from two families (PMIDs: 15670724, 23847141; PS4_supporting). Muscle biopsies performed in these two individuals showed ragged red fibers and COX-negative fibers. Respiratory chain enzyme activities were normal except for reduced complex I activity in one individual. Heteroplasmy levels were only reported in one individual (PMID: 15670724), but were 67-77% in muscle, trace amounts to 14% in hair roots, and were undetectable in buccal, blood, and fibroblasts. One of the affected individuals has a son with autism but he was not tested for this variant. The variant was not detected in blood from the subject’s mother and three sisters but it was also undetectable in the subject's blood, so de novo status could not be confirmed (PMID: 15670724). There are no large families reported in the medical literature to consider for evidence of segregation. This variant is absent in the GenBank dataset, Helix dataset, and gnomAD v3.1.2 (PM2_supporting). Single fiber testing showed higher levels of the variant in COX negative fibers (93 ± 1.0%) than in COX positive fibers (59 ± 28%), p<0.005. Furthermore, COX-positive fibers showed a much greater range of mutated mtDNA than COX-negative fibers (9–89% vs 92–95%; PMID: 15670724; PS3_supporting). The computational predictor MitoTIP suggests this variant is pathogenic (51.7 percentile) and HmtVAR predicts it to be pathogenic score of 0.55 (PP3). In summary, this variant meets criteria to be classified as uncertain significance for primary mitochondrial disease inherited in a mitochondrial manner. We note that some experts on this panel voted for a classification of likely pathogenic given the evidence of pathogenicity (strong single fiber studies, absent in population databases and present in two individuals with similar features of primary mitochondrial disease). This classification was approved by the NICHD/NINDS U24 ClinGen Mitochondrial Disease Variant Curation Expert Panel on December 15, 2022. Mitochondrial DNA-specific ACMG/AMP criteria applied (PMID: 32906214): PS4_supporting, PM2_supporting, PS3_supporting, PP3.

Wong Mito Lab, Molecular and Human Genetics, Baylor College of Medicine
Classification: Pathogenic for MELAS syndrome. Last evaluated: 2019-07-12. Review status: criteria provided, single submitter. Criteria: Modified ACMG Guidelines (Unpublished). Collection method: clinical testing. Allele origin: germline. Not counted in ClinVar's aggregate classification.
Comment: The NC_012920.1:m.14710G>A variant in MT-TE gene is interpreted to be a Pathogenic variant based on the modified ACMG guidelines (unpublished). This variant meets the following evidence codes reported in the guidelines: PS3, PM5, PM8, PM9, PP3

Literature cited by the submitters: PubMed 31965079 (cited by Wong Mito Lab, Molecular and Human Genetics, Baylor College of Medicine); PubMed 23847141 (cited by Wong Mito Lab, Molecular and Human Genetics, Baylor College of Medicine).

NC_012920.1(MT-TE):m.14710G>A

Gene: MT-TE (mitochondrially encoded tRNA glutamic acid; minus strand).
Variant type: single nucleotide variant.
Genome position: chrM-14710-G-A.
Identifiers: ClinVar variation 690207 (VCV000690207.2), dbSNP rs1603224840, ClinGen allele CA913171880.